The following is an entry in ClinVar:

ClinVar aggregate classification (germline): Likely benign (1 of 4 stars; one submission).

Allele frequency attached by ClinVar (database versions not stated): gnomAD exomes below 0.00001.
gnomAD v4.1: 1 of 1,614,262 alleles (0.000062%); highest among the groups gnomAD compares: Non-Finnish European, 0.000085%; no homozygotes.

Submission:

GeneDx
Classification: Likely benign. Last evaluated: 2018-05-21. Review status: criteria provided, single submitter. Criteria: GeneDx Variant Classification (06012015). Collection method: clinical testing. Allele origin: germline. Affected: yes.
Comment: This variant is considered likely benign or benign based on one or more of the following criteria: it is a conservative change, it occurs at a poorly conserved position in the protein, it is predicted to be benign by multiple in silico algorithms, and/or has population frequency not consistent with disease.

NM_153603.4(COG7):c.1695T>C (p.Ala565=)

Gene: COG7 (component of oligomeric golgi complex 7; minus strand). Cytogenetic location: 16p12.2.
Variant type: single nucleotide variant.
Coding change: c.1695T>C on transcript NM_153603.4 (MANE Select); coding-DNA position 1695, T replaced by C.
Protein change: p.Ala565=; no amino-acid change (alanine 565 retained).
Molecular consequence: synonymous variant.
Genome position (GRCh38, 1-based): chr16:23,403,802, A>G on the plus strand (T>C on the coding strand, the complement: COG7 is on the minus strand). VCF-style: chr16-23403802-A-G. GRCh37 (hg19) VCF-style: chr16-23415123-A-G.
Identifiers: ClinVar variation 667516 (VCV000667516.1), dbSNP rs1596915899, ClinGen allele CA494161212.
Genomic context (GRCh38, chr16:23,403,802, plus strand): 5'-GGAATCGAAAGCCAGCTGGTGGGCCTGCTGGTTAAGCCGAGTCAGCGCTGCTCGAGGTGC[A>G]GCCAGCAGGTTGTGGTTGCTTGACCCTTTTTCCTAAGACAAGAAAATGCAAAAGGCAGTT-3'
Protein context (NP_705831.1, residues 555-575): EKGSSNHNLL[Ala565=]APRAALTRLN